The following is an entry in ClinVar:

NM_001363711.2(DUOX2):c.367G>A (p.Gly123Ser)

Gene: DUOX2 (dual oxidase 2; minus strand). Cytogenetic location: 15q21.1.
Variant type: single nucleotide variant.
Coding change: c.367G>A on transcript NM_001363711.2 (MANE Select); coding-DNA position 367, G replaced by A.
Protein change: p.Gly123Ser; replaces glycine 123 with serine.
Molecular consequence: missense variant.
Genome position (GRCh38, 1-based): chr15:45,111,914, C>T on the plus strand (G>A on the coding strand, the complement: DUOX2 is on the minus strand). VCF-style: chr15-45111914-C-T. GRCh37 (hg19) VCF-style: chr15-45404112-C-T.
Other names: c.367G>A, p.Gly123Ser (NM_014080.5); short protein forms G123S.
Identifiers: ClinVar variation 2079624 (VCV002079624.4), dbSNP rs1334915762, ClinGen allele CA392279459.
Genomic context (GRCh38, chr15:45,111,914, plus strand): 5'-CGGGGTCGAACACGGGGTCTCCAGGTGGGATGCGGATGTTGAGGAACTCGGCGGGGCAAC[C>T]GGGCGTTTCCACGCTCACCACGTCGGAAAGAACATGGTAGCCTGCGGGCATGGGGCGCCA-3'
Protein context (NP_001350640.1, residues 113-133): LSDVVSVETP[Gly123Ser]CPAEFLNIRI

ClinVar aggregate classification (germline): Uncertain significance (1 of 4 stars; one submission).

Submission:

Labcorp Genetics (formerly Invitae), Labcorp
Classification: Uncertain significance. Last evaluated: 2022-07-24. Review status: criteria provided, single submitter. Criteria: Invitae Variant Classification Sherloc (09022015). Collection method: clinical testing. Allele origin: germline.
Comment: In summary, the available evidence is currently insufficient to determine the role of this variant in disease. Therefore, it has been classified as a Variant of Uncertain Significance. Advanced modeling of protein sequence and biophysical properties (such as structural, functional, and spatial information, amino acid conservation, physicochemical variation, residue mobility, and thermodynamic stability) performed at Invitae indicates that this missense variant is not expected to disrupt DUOX2 protein function. This sequence change replaces glycine, which is neutral and non-polar, with serine, which is neutral and polar, at codon 123 of the DUOX2 protein (p.Gly123Ser). This variant is not present in population databases (gnomAD no frequency). This variant has not been reported in the literature in individuals affected with DUOX2-related conditions.